The following is an entry in ClinVar:

NM_015665.6(AAAS):c.856C>T (p.Arg286Ter)

Gene: AAAS (aladin WD repeat nucleoporin; minus strand). Cytogenetic location: 12q13.13.
Variant type: single nucleotide variant.
Coding change: c.856C>T on transcript NM_015665.6 (MANE Select); coding-DNA position 856, C replaced by T.
Protein change: p.Arg286Ter; replaces arginine 286 with a stop codon.
Molecular consequence: nonsense.
Genome position (GRCh38, 1-based): chr12:53,309,236, G>A on the plus strand (C>T on the coding strand, the complement: AAAS is on the minus strand). VCF-style: chr12-53309236-G-A. GRCh37 (hg19) VCF-style: chr12-53703020-G-A.
Other names: c.757C>T, p.Arg253Ter (NM_001173466.2); short protein forms R253*, R286*.
Identifiers: ClinVar variation 1322889 (VCV001322889.10), dbSNP rs145446970, ClinGen allele CA6599073.

ClinVar aggregate classification (germline): Pathogenic. Review status: criteria provided, multiple submitters, no conflicts (2 of 4 stars). 3 submissions from 3 submitters: Pathogenic (3). Last evaluated 2024-06-26.

Conditions:
AAAS-related disorder. Also called: AAAS-related condition.
Glucocorticoid deficiency with achalasia (AAAS). Also called: AAA syndrome; Allgrove syndrome; Addisonian achalasia syndrome; Achalasia-addisonianism-alacrimia syndrome; Achalasia-Addisonianism-Alacrima (Triple-A) Syndrome; Alacrima-achalasia-addisonianism. Identifiers: Orphanet 869, MedGen C0271742, MONDO:0009279, OMIM 231550.

Allele frequency attached by ClinVar (database versions not stated): gnomAD 0.00002; ExAC 0.00004; gnomAD exomes 0.00004 and 0.00005; ESP Exome Variant Server 0.00008.
gnomAD v4.1: 72 of 1,613,870 alleles (0.0045%); highest among the groups gnomAD compares: Non-Finnish European, 0.0058%; no homozygotes.

Submissions (3):

Labcorp Genetics (formerly Invitae), Labcorp
Classification: Pathogenic. Last evaluated: 2024-06-26. Review status: criteria provided, single submitter. Criteria: Invitae Variant Classification Sherloc (09022015). Collection method: clinical testing. Allele origin: germline.
Comment: This sequence change creates a premature translational stop signal (p.Arg286*) in the AAAS gene. It is expected to result in an absent or disrupted protein product. Loss-of-function variants in AAAS are known to be pathogenic (PMID: 11159947). This variant is present in population databases (rs145446970, gnomAD 0.006%). This premature translational stop signal has been observed in individuals with achalasia-addisonianism-alacrimia syndrome (PMID: 11159947, 15217518, 27133709). ClinVar contains an entry for this variant (Variation ID: 1322889). For these reasons, this variant has been classified as Pathogenic.

Blueprint Genetics
Classification: Pathogenic for AAAS-related disorders. Last evaluated: 2024-05-14. Review status: criteria provided, single submitter. Criteria: ACMG Guidelines, 2015. Collection method: clinical testing. Allele origin: germline. Affected: yes. Observed: 5 variant alleles.

Fulgent Genetics
Classification: Pathogenic for Glucocorticoid deficiency with achalasia. Last evaluated: 2024-01-23. Review status: criteria provided, single submitter. Criteria: ACMG Guidelines, 2015. Collection method: clinical testing. Allele origin: germline.

Literature cited by the submitters: PubMed 11159947 (cited by Labcorp Genetics (formerly Invitae), Labcorp); PubMed 15217518 (cited by Labcorp Genetics (formerly Invitae), Labcorp); PubMed 27133709 (cited by Labcorp Genetics (formerly Invitae), Labcorp).